The following is an entry in ClinVar:

NM_145046.5(CALR3):c.349A>G (p.Ile117Val)

Gene: CALR3 (calreticulin 3; minus strand). Cytogenetic location: 19p13.11.
Variant type: single nucleotide variant.
Coding change: c.349A>G on transcript NM_145046.5 (MANE Select); coding-DNA position 349, A replaced by G.
Protein change: p.Ile117Val; replaces isoleucine 117 with valine.
Molecular consequence: missense variant.
Genome position (GRCh38, 1-based): chr19:16,490,415, T>C on the plus strand (A>G on the coding strand, the complement: CALR3 is on the minus strand). VCF-style: chr19-16490415-T-C. GRCh37 (hg19) VCF-style: chr19-16601226-T-C.
Other names: short protein forms I117V.
Identifiers: ClinVar variation 999905 (VCV000999905.9), dbSNP rs1209076661, ClinGen allele CA404613164.

ClinVar aggregate classification (germline): Uncertain significance (1 of 4 stars; one submission).

Conditions:
Hypertrophic cardiomyopathy 19. Also called: Familial hypertrophic cardiomyopathy 19. Identifiers: MedGen CN077603, MONDO:0013476.

gnomAD v4.1: 15 of 1,614,106 alleles (0.00093%); highest among the groups gnomAD compares: Non-Finnish European, 0.0013%; no homozygotes.

Submission:

Labcorp Genetics (formerly Invitae), Labcorp
Classification: Uncertain significance for Hypertrophic cardiomyopathy 19. Last evaluated: 2020-02-12. Review status: criteria provided, single submitter. Criteria: Invitae Variant Classification Sherloc (09022015). Collection method: clinical testing. Allele origin: germline.
Comment: This sequence change replaces isoleucine with valine at codon 117 of the CALR3 protein (p.Ile117Val). The isoleucine residue is weakly conserved and there is a small physicochemical difference between isoleucine and valine. This variant is not present in population databases (ExAC no frequency). This variant has not been reported in the literature in individuals with CALR3-related conditions. Algorithms developed to predict the effect of missense changes on protein structure and function output the following: SIFT: "Tolerated"; PolyPhen-2: "Benign"; Align-GVGD: "Class C0". The valine amino acid residue is found in multiple mammalian species, suggesting that this missense change does not adversely affect protein function. These predictions have not been confirmed by published functional studies and their clinical significance is uncertain. In summary, the available evidence is currently insufficient to determine the role of this variant in disease. Therefore, it has been classified as a Variant of Uncertain Significance.